The following is an entry in ClinVar:

ClinVar aggregate classification (germline): Uncertain significance. Review status: criteria provided, multiple submitters, no conflicts (2 of 4 stars). 2 submissions from 2 submitters: Uncertain significance (2). Last evaluated 2025-01-08.

Conditions:
Inborn genetic diseases. Identifiers: MedGen C0950123, MeSH D030342.
Myoclonic dystonia 11 (DYT11). Also called: Myoclonic dystonia; Dystonia 11; Dystonia, alcohol responsive; Hereditary essential myoclonus; SGCE Myoclonus-Dystonia; Myoclonus-Dystonia. Identifiers: Orphanet 36899, MedGen C1834570, MONDO:0008044, OMIM 159900.

Allele frequency attached by ClinVar (database versions not stated): gnomAD exomes 0.00001 and 0.00002; ExAC 0.00002; gnomAD 0.00003 and 0.00004; TOPMed 0.00003; ESP Exome Variant Server 0.00008.
gnomAD v4.1: 13 of 1,612,496 alleles (0.00081%); highest among the groups gnomAD compares: African/African-American, 0.015%; no homozygotes.

Submissions (2):

Ambry Genetics
Classification: Uncertain significance for Inborn genetic diseases. Last evaluated: 2025-01-08. Review status: criteria provided, single submitter. Criteria: Ambry Variant Classification Scheme 2023. Collection method: clinical testing. Allele origin: germline.

Labcorp Genetics (formerly Invitae), Labcorp
Classification: Uncertain significance for Myoclonic dystonia 11. Last evaluated: 2024-06-17. Review status: criteria provided, single submitter. Criteria: Invitae Variant Classification Sherloc (09022015). Collection method: clinical testing. Allele origin: germline.
Comment: This sequence change replaces valine, which is neutral and non-polar, with methionine, which is neutral and non-polar, at codon 393 of the SGCE protein (p.Val393Met). This variant is present in population databases (rs150797717, gnomAD 0.02%). This variant has not been reported in the literature in individuals affected with SGCE-related conditions. ClinVar contains an entry for this variant (Variation ID: 582414). Advanced modeling of protein sequence and biophysical properties (such as structural, functional, and spatial information, amino acid conservation, physicochemical variation, residue mobility, and thermodynamic stability) performed at Invitae indicates that this missense variant is not expected to disrupt SGCE protein function with a negative predictive value of 80%. In summary, the available evidence is currently insufficient to determine the role of this variant in disease. Therefore, it has been classified as a Variant of Uncertain Significance.

NM_003919.3(SGCE):c.1177G>A (p.Val393Met)

Genes: CASD1 (CAS1 domain sialic acid O acetyltransferase 1; plus strand), SGCE (sarcoglycan epsilon; minus strand). Cytogenetic location: 7q21.3.
Variant type: single nucleotide variant.
Coding change: c.1177G>A on transcript NM_003919.3 (MANE Select); coding-DNA position 1177, G replaced by A.
Protein change: p.Val393Met; replaces valine 393 with methionine.
Molecular consequence: missense variant.
Genome position (GRCh38, 1-based): chr7:94,598,851, C>T on the plus strand (G>A on the coding strand, the complement: SGCE is on the minus strand). VCF-style: chr7-94598851-C-T. GRCh37 (hg19) VCF-style: chr7-94228163-C-T.
Other names: c.1150G>A, p.Val384Met (NM_001099400.2, NM_001346717.2); c.1177G>A, p.Val393Met (NM_001099401.2); c.1054G>A, p.Val352Met (NM_001301139.2); c.1285G>A, p.Val429Met (NM_001346713.2); c.1258G>A, p.Val420Met (NM_001346715.2); c.1090G>A, p.Val364Met (NM_001346719.2); c.904G>A, p.Val302Met (NM_001346720.2); c.1063G>A, p.Val355Met (NM_001362807.2); and 2 more; short protein forms V393M, V343M, V355M, V364M, V420M, V429M, V302M, V293M.
Identifiers: ClinVar variation 582414 (VCV000582414.9), dbSNP rs150797717, ClinGen allele CA4348611.
Genomic context (GRCh38, chr7:94,598,851, plus strand): 5'-ATGGCATGTTTGTGCTATCATAGTTGTCTGTGTGTAAAGGAGGTATGATTTCCCCAGTCA[C>T]AGGGTGGAACACAGGAAGCGTTGACAGGGGCCATGCTATCTCTCTATTCTTGGACATGTC-3'
Protein context (NP_003910.1, residues 383-403): PLSTLPVFHP[Val393Met]TGEIIPPLHT